The following is an entry in ClinVar:

NM_001371986.1(UNC80):c.7856A>T (p.Gln2619Leu)

Gene: UNC80 (unc-80 homolog, NALCN channel complex subunit; plus strand). Cytogenetic location: 2q34.
Variant type: single nucleotide variant.
Coding change: c.7856A>T on transcript NM_001371986.1 (MANE Select); coding-DNA position 7856, A replaced by T.
Protein change: p.Gln2619Leu; replaces glutamine 2619 with leucine.
Molecular consequence: missense variant.
Genome position (GRCh38, 1-based): chr2:209,967,487, A>T. VCF-style: chr2-209967487-A-T. GRCh37 (hg19) VCF-style: chr2-210832211-A-T.
Other names: c.7658A>T, p.Gln2553Leu (NM_032504.2); c.7643A>T, p.Gln2548Leu (NM_182587.4); short protein forms Q2548L, Q2619L, Q2553L.
Identifiers: ClinVar variation 2120868 (VCV002120868.2), dbSNP rs918114184, ClinGen allele CA65045226.

ClinVar aggregate classification (germline): Uncertain significance (1 of 4 stars; one submission).

Allele frequency attached by ClinVar (database versions not stated): gnomAD exomes below 0.00001; TOPMed 0.00001.
gnomAD v4.1: 1 of 1,551,628 alleles (0.000064%); highest among the groups gnomAD compares: Admixed American, 0.002%; no homozygotes.

Submission:

Labcorp Genetics (formerly Invitae), Labcorp
Classification: Uncertain significance. Last evaluated: 2022-09-19. Review status: criteria provided, single submitter. Criteria: Invitae Variant Classification Sherloc (09022015). Collection method: clinical testing. Allele origin: germline.
Comment: In summary, the available evidence is currently insufficient to determine the role of this variant in disease. Therefore, it has been classified as a Variant of Uncertain Significance. Advanced modeling of protein sequence and biophysical properties (such as structural, functional, and spatial information, amino acid conservation, physicochemical variation, residue mobility, and thermodynamic stability) performed at Invitae indicates that this missense variant is not expected to disrupt UNC80 protein function. This variant has not been reported in the literature in individuals affected with UNC80-related conditions. This variant is present in population databases (no rsID available, gnomAD 0.004%). This sequence change replaces glutamine, which is neutral and polar, with leucine, which is neutral and non-polar, at codon 2553 of the UNC80 protein (p.Gln2553Leu).